The following is an entry in ClinVar:

NM_004304.5(ALK):c.1135C>T (p.Pro379Ser)

Gene: ALK (ALK receptor tyrosine kinase; minus strand). Cytogenetic location: 2p23.2.
Variant type: single nucleotide variant.
Coding change: c.1135C>T on transcript NM_004304.5 (MANE Select); coding-DNA position 1135, C replaced by T.
Protein change: p.Pro379Ser; replaces proline 379 with serine.
Molecular consequence: missense variant.
Genome position (GRCh38, 1-based): chr2:29,531,934, G>A on the plus strand (C>T on the coding strand, the complement: ALK is on the minus strand). VCF-style: chr2-29531934-G-A. GRCh37 (hg19) VCF-style: chr2-29754800-G-A.
Other names: short protein forms P379S.
Identifiers: ClinVar variation 1957565 (VCV001957565.6), dbSNP rs1424913232, ClinGen allele CA346587200.

ClinVar aggregate classification (germline): Uncertain significance. Review status: criteria provided, multiple submitters, no conflicts (2 of 4 stars). 2 submissions from 2 submitters: Uncertain significance (2). Last evaluated 2024-09-10.

Conditions:
Neuroblastoma, susceptibility to, 3. Also called: ALK-Related Neuroblastic Tumor Susceptibility. Identifiers: Orphanet 635, MedGen C2751681, MONDO:0013083, OMIM 613014.

Submissions (2):

Blueprint Genetics
Classification: Uncertain significance. Last evaluated: 2024-09-10. Review status: criteria provided, single submitter. Criteria: ACMG Guidelines, 2015. Collection method: clinical testing. Allele origin: germline.

Labcorp Genetics (formerly Invitae), Labcorp
Classification: Uncertain significance for Neuroblastoma, susceptibility to, 3. Last evaluated: 2024-05-21. Review status: criteria provided, single submitter. Criteria: Invitae Variant Classification Sherloc (09022015). Collection method: clinical testing. Allele origin: germline.
Comment: This sequence change replaces proline, which is neutral and non-polar, with serine, which is neutral and polar, at codon 379 of the ALK protein (p.Pro379Ser). This variant is not present in population databases (gnomAD no frequency). This variant has not been reported in the literature in individuals affected with ALK-related conditions. ClinVar contains an entry for this variant (Variation ID: 1957565). An algorithm developed to predict the effect of missense changes on protein structure and function (PolyPhen-2) suggests that this variant is likely to be tolerated. In summary, the available evidence is currently insufficient to determine the role of this variant in disease. Therefore, it has been classified as a Variant of Uncertain Significance.